The following is an entry in ClinVar:

ClinVar aggregate classification (germline): Uncertain significance (1 of 4 stars; one submission).

Conditions:
CHARGE syndrome (CHARGE). Also called: Hittner Hirsch Kreh syndrome; CHARGE ASSOCIATION--COLOBOMA, HEART ANOMALY, CHOANAL ATRESIA, RETARDATION, GENITAL AND EAR ANOMALIES; Coloboma, heart anomaly, choanal atresia, retardation, genital and ear anomalies; CHARGE association; Hall-Hittner syndrome. Identifiers: Orphanet 138, MedGen C0265354, MONDO:0008965.

Submission:

Labcorp Genetics (formerly Invitae), Labcorp
Classification: Uncertain significance for CHARGE syndrome. Last evaluated: 2024-03-19. Review status: criteria provided, single submitter. Criteria: Invitae Variant Classification Sherloc (09022015). Collection method: clinical testing. Allele origin: germline.
Comment: This sequence change replaces arginine, which is basic and polar, with leucine, which is neutral and non-polar, at codon 2337 of the CHD7 protein (p.Arg2337Leu). This variant is not present in population databases (gnomAD no frequency). This variant has not been reported in the literature in individuals affected with CHD7-related conditions. Advanced modeling of protein sequence and biophysical properties (such as structural, functional, and spatial information, amino acid conservation, physicochemical variation, residue mobility, and thermodynamic stability) performed at Invitae indicates that this missense variant is expected to disrupt CHD7 protein function with a positive predictive value of 80%. In summary, the available evidence is currently insufficient to determine the role of this variant in disease. Therefore, it has been classified as a Variant of Uncertain Significance.

NM_017780.4(CHD7):c.7010G>T (p.Arg2337Leu)

Gene: CHD7 (chromodomain helicase DNA binding protein 7; plus strand). Cytogenetic location: 8q12.2.
Variant type: single nucleotide variant.
Coding change: c.7010G>T on transcript NM_017780.4 (MANE Select); coding-DNA position 7010, G replaced by T.
Protein change: p.Arg2337Leu; replaces arginine 2337 with leucine.
Molecular consequence: missense variant. On other transcripts: intron variant (1).
Genome position (GRCh38, 1-based): chr8:60,856,048, G>T. VCF-style: chr8-60856048-G-T. GRCh37 (hg19) VCF-style: chr8-61768607-G-T.
Other names: c.1717-6181G>T (NM_001316690.1); short protein forms R2337L.
Identifiers: ClinVar variation 3614085 (VCV003614085.2).